The following is an entry in ClinVar:

ClinVar aggregate classification (germline): Uncertain significance (1 of 4 stars; one submission).

Conditions:
Early-onset Lafora body disease. Also called: Epilepsy, progressive myoclonic, 10. Identifiers: Orphanet 324290, MedGen C4225258, MONDO:0014717, OMIM 616640.

gnomAD v4.1: 1 of 1,612,076 alleles (0.000062%); highest among the groups gnomAD compares: East Asian, 0.0022%; no homozygotes.

Submission:

Labcorp Genetics (formerly Invitae), Labcorp
Classification: Uncertain significance for Early-onset Lafora body disease. Last evaluated: 2021-04-24. Review status: criteria provided, single submitter. Criteria: Invitae Variant Classification Sherloc (09022015). Collection method: clinical testing. Allele origin: germline.
Comment: In summary, the available evidence is currently insufficient to determine the role of this variant in disease. Therefore, it has been classified as a Variant of Uncertain Significance. Algorithms developed to predict the effect of missense changes on protein structure and function (SIFT, PolyPhen-2, Align-GVGD) all suggest that this variant is likely to be tolerated, but these predictions have not been confirmed by published functional studies and their clinical significance is uncertain. This variant has not been reported in the literature in individuals with PRDM8-related conditions. This variant is not present in population databases (ExAC no frequency). This sequence change replaces proline with threonine at codon 246 of the PRDM8 protein (p.Pro246Thr). The proline residue is moderately conserved and there is a small physicochemical difference between proline and threonine.

NM_001099403.2(PRDM8):c.736C>A (p.Pro246Thr)

Gene: PRDM8 (PR/SET domain 8; plus strand). Cytogenetic location: 4q21.21.
Variant type: single nucleotide variant.
Coding change: c.736C>A on transcript NM_001099403.2 (MANE Select); coding-DNA position 736, C replaced by A.
Protein change: p.Pro246Thr; replaces proline 246 with threonine.
Molecular consequence: missense variant.
Genome position (GRCh38, 1-based): chr4:80,202,198, C>A. VCF-style: chr4-80202198-C-A. GRCh37 (hg19) VCF-style: chr4-81123352-C-A.
Other names: c.736C>A, p.Pro246Thr (NM_020226.4); short protein forms P246T.
Identifiers: ClinVar variation 1470532 (VCV001470532.8), dbSNP rs1330185577, ClinGen allele CA357395104.